The following is an entry in ClinVar:

ClinVar aggregate classification (germline): Uncertain significance. Review status: criteria provided, multiple submitters, no conflicts (2 of 4 stars). 2 submissions from 2 submitters: Uncertain significance (2). Last evaluated 2023-08-31.

Conditions:
Brain small vessel disease 2A, autosomal dominant. Also called: Porencephaly 2. Identifiers: Orphanet 2940, Orphanet 99810, MedGen C3280970, MONDO:0013773, OMIM 614483.
COL4A2-related disorder. Also called: COL4A2-related disorders; COL4A2-related condition.

Allele frequency attached by ClinVar (database versions not stated): ExAC 0.00001; gnomAD 0.00002; TOPMed 0.00003.
gnomAD v4.1: 10 of 1,561,132 alleles (0.00064%); highest among the groups gnomAD compares: Admixed American, 0.0021%; no homozygotes.

Submissions (2):

PreventionGenetics, part of Exact Sciences
Classification: Uncertain significance for COL4A2-related condition. Last evaluated: 2023-08-31. Review status: criteria provided, single submitter. Criteria: ACMG Guidelines, 2015. Collection method: clinical testing. Allele origin: germline.
Comment: The COL4A2 c.451G>A variant is predicted to result in the amino acid substitution p.Gly151Ser. To our knowledge, this variant has not been reported in the literature. This variant results in a glycine substitution in the collagen triple helical region of the COL4A2 protein (Alamut Visual v1.6.1) and glycine substitutions in this region are frequently pathogenic (Fidler et al. 2018. PubMed ID: 29632050). This variant is reported in 0.0049% of alleles in individuals of African descent in gnomAD. Although we suspect that this variant may be pathogenic, at this time, the clinical significance of this variant is uncertain due to the absence of conclusive functional and genetic evidence.

Victorian Clinical Genetics Services, Murdoch Childrens Research Institute
Classification: Uncertain significance for Brain small vessel disease 2A, autosomal dominant. Last evaluated: 2023-07-17. Review status: criteria provided, single submitter. Criteria: ACMG Guidelines, 2015. Collection method: clinical testing. Allele origin: germline. Inheritance: Autosomal dominant inheritance. Affected: no.
Comment: Based on the classification scheme VCGS_Germline_v1.3.4, this variant is classified as VUS-3A. Following criteria are met: 0105 - The mechanism of disease for this gene is not clearly established. It appears that the mechanism resembles that of the COL4A1 gene, including loss-of-function and dominant negative, the latter resulting from Gly substitutions on the G-X-Y motif (PMIDs: 22209246, 22209247, 24001601). (I) 0107 - This gene is associated with autosomal dominant disease. However, there is emerging evidence of biallelic inheritance leading to intellectual disability, epilepsy, and spastic cerebral palsy (PMID: 33912663). (I) 0112 - The condition associated with this gene has incomplete penetrance (OMIM, PMID: 33912663). (I) 0115 - Variants in this gene are known to have variable expressivity. The severity of phenotypes varies greatly (PMID: 27794444). (I) 0200 - Variant is predicted to result in a missense amino acid change from glycine to serine. (I) 0251 - This variant is heterozygous. (I) 0302 - Variant is present in gnomAD (v2+v3) <0.001 for a dominant condition (4 heterozygotes, 0 homozygotes). (SP) 0501 - Missense variant consistently predicted to be damaging by multiple in silico tools or highly conserved with a major amino acid change. (SP) 0601 - Variant is located in the well-established functional Gly-X-Y motif within the collagen repeat domain, and affects a glycine residue (DECIPHER). (SP) 0705 - No comparable missense variants have previous evidence for pathogenicity. (I) 0807 - This variant has no previous evidence of pathogenicity. (I) 0905 - No published segregation evidence has been identified for this variant. (I) 1007 - No published functional evidence has been identified for this variant. (I) 1208 - Inheritance information for this variant is not currently available in this individual. (I) Legend: (SP) - Supporting pathogenic, (I) - Information, (SB) - Supporting benign

Literature cited by the submitters: PubMed 22209246 (cited by Victorian Clinical Genetics Services, Murdoch Childrens Research Institute); PubMed 22209247 (cited by Victorian Clinical Genetics Services, Murdoch Childrens Research Institute); PubMed 24001601 (cited by Victorian Clinical Genetics Services, Murdoch Childrens Research Institute); PubMed 27794444 (cited by Victorian Clinical Genetics Services, Murdoch Childrens Research Institute); PubMed 33912663 (cited by Victorian Clinical Genetics Services, Murdoch Childrens Research Institute).

NM_001846.4(COL4A2):c.451G>A (p.Gly151Ser)

Gene: COL4A2 (collagen type IV alpha 2 chain; plus strand). Cytogenetic location: 13q34.
Variant type: single nucleotide variant.
Coding change: c.451G>A on transcript NM_001846.4 (MANE Select); coding-DNA position 451, G replaced by A.
Protein change: p.Gly151Ser; replaces glycine 151 with serine.
Molecular consequence: missense variant.
Genome position (GRCh38, 1-based): chr13:110,428,557, G>A. VCF-style: chr13-110428557-G-A. GRCh37 (hg19) VCF-style: chr13-111080904-G-A.
Other names: short protein forms G151S.
Identifiers: ClinVar variation 2636806 (VCV002636806.2), dbSNP rs746743018, ClinGen allele CA7048898.